The following is an entry in ClinVar:

ClinVar aggregate classification (germline): Uncertain significance (1 of 4 stars; one submission).

Conditions:
Early Myoclonic Encephalopathy. Identifiers: MedGen C0270855.

Allele frequency attached by ClinVar (database versions not stated): gnomAD exomes 0.00010 and 0.00011; 1000 Genomes Project 30x 0.00062; ESP Exome Variant Server 0.00008; gnomAD 0.00008 and 0.00013; TOPMed 0.00011; ExAC 0.00013; 1000 Genomes Project 0.00080.
gnomAD v4.1: 177 of 1,614,218 alleles (0.011%); highest among the groups gnomAD compares: Middle Eastern, 0.049%; no homozygotes.

Submission:

Labcorp Genetics (formerly Invitae), Labcorp
Classification: Uncertain significance for Early Myoclonic Encephalopathy. Last evaluated: 2025-10-15. Review status: criteria provided, single submitter. Criteria: Invitae Variant Classification Sherloc (09022015). Collection method: clinical testing. Allele origin: germline.
Comment: This sequence change replaces lysine, which is basic and polar, with glutamic acid, which is acidic and polar, at codon 1495 of the JMJD1C protein (p.Lys1495Glu). This variant is present in population databases (rs148283530, gnomAD 0.02%). This variant has not been reported in the literature in individuals affected with JMJD1C-related conditions. ClinVar contains an entry for this variant (Variation ID: 650228). Invitae Evidence Modeling of protein sequence and biophysical properties (such as structural, functional, and spatial information, amino acid conservation, physicochemical variation, residue mobility, and thermodynamic stability) indicates that this missense variant is expected to disrupt JMJD1C protein function with a positive predictive value of 80%. In summary, the available evidence is currently insufficient to determine the role of this variant in disease. Therefore, it has been classified as a Variant of Uncertain Significance.

NM_032776.3(JMJD1C):c.4483A>G (p.Lys1495Glu)

Gene: JMJD1C (jumonji domain containing 1C; minus strand). Cytogenetic location: 10q21.3.
Variant type: single nucleotide variant.
Coding change: c.4483A>G on transcript NM_032776.3 (MANE Select); coding-DNA position 4483, A replaced by G.
Protein change: p.Lys1495Glu; replaces lysine 1495 with glutamic acid.
Molecular consequence: missense variant. On other transcripts: non-coding transcript variant (1).
Genome position (GRCh38, 1-based): chr10:63,207,186, T>C on the plus strand (A>G on the coding strand, the complement: JMJD1C is on the minus strand). VCF-style: chr10-63207186-T-C. GRCh37 (hg19) VCF-style: chr10-64966946-T-C.
Other names: c.3937A>G, p.Lys1313Glu (NM_001282948.2, NM_001318154.2); c.3619A>G, p.Lys1207Glu (NM_001318153.2); c.4369A>G, p.Lys1457Glu (NM_001322252.2); c.3826A>G, p.Lys1276Glu (NM_001322254.2, NM_001322258.2); short protein forms K1207E, K1495E, K1457E, K1276E, K1313E.
Identifiers: ClinVar variation 650228 (VCV000650228.9), dbSNP rs148283530, ClinGen allele CA5518262.